The following is an entry in ClinVar:

ClinVar aggregate classification (germline): Uncertain significance (1 of 4 stars; one submission).

Allele frequency attached by ClinVar (database versions not stated): TOPMed below 0.00001.

Submission:

Ambry Genetics
Classification: Uncertain significance. Last evaluated: 2020-11-23. Review status: criteria provided, single submitter. Criteria: Ambry Variant Classification Scheme 2023. Collection method: clinical testing. Allele origin: germline.
Comment: The p.C399Y variant (also known as c.1196G>A), located in coding exon 9 of the RINT1 gene, results from a G to A substitution at nucleotide position 1196. The cysteine at codon 399 is replaced by tyrosine, an amino acid with highly dissimilar properties. This amino acid position is highly conserved in available vertebrate species. In addition, this alteration is predicted to be deleterious by in silico analysis. Since supporting evidence is limited at this time, the clinical significance of this alteration remains unclear.

NM_021930.6(RINT1):c.1196G>A (p.Cys399Tyr)

Gene: RINT1 (RAD50 interactor 1; plus strand). Cytogenetic location: 7q22.3.
Variant type: single nucleotide variant.
Coding change: c.1196G>A on transcript NM_021930.6 (MANE Select); coding-DNA position 1196, G replaced by A.
Protein change: p.Cys399Tyr; replaces cysteine 399 with tyrosine.
Molecular consequence: missense variant. On other transcripts: non-coding transcript variant (1).
Genome position (GRCh38, 1-based): chr7:105,550,349, G>A. VCF-style: chr7-105550349-G-A. GRCh37 (hg19) VCF-style: chr7-105190796-G-A.
Other names: c.962G>A, p.Cys321Tyr (NM_001346599.2); c.173G>A, p.Cys58Tyr (NM_001346600.2, NM_001346603.2); c.272G>A, p.Cys91Tyr (NM_001346601.2); short protein forms C399Y, C91Y, C321Y, C58Y.
Identifiers: ClinVar variation 1746112 (VCV001746112.2), dbSNP rs1790874378, ClinGen allele CA368809139.